The following is an entry in ClinVar:

NM_001291303.3(FAT4):c.12093A>T (p.Glu4031Asp)

Gene: FAT4 (FAT atypical cadherin 4; plus strand). Cytogenetic location: 4q28.1.
Variant type: single nucleotide variant.
Coding change: c.12093A>T on transcript NM_001291303.3 (MANE Select); coding-DNA position 12093, A replaced by T.
Protein change: p.Glu4031Asp; replaces glutamic acid 4031 with aspartic acid.
Molecular consequence: missense variant.
Genome position (GRCh38, 1-based): chr4:125,468,699, A>T. VCF-style: chr4-125468699-A-T. GRCh37 (hg19) VCF-style: chr4-126389854-A-T.
Other names: c.12093A>T, p.Glu4031Asp (NM_001291285.3); c.12087A>T, p.Glu4029Asp (NM_024582.6); short protein forms E4031D, E4029D.
Identifiers: ClinVar variation 1352337 (VCV001352337.6), dbSNP rs2126076276, ClinGen allele CA358128465.

ClinVar aggregate classification (germline): Uncertain significance (1 of 4 stars; one submission).

Submission:

Labcorp Genetics (formerly Invitae), Labcorp
Classification: Uncertain significance. Last evaluated: 2025-06-22. Review status: criteria provided, single submitter. Criteria: Invitae Variant Classification Sherloc (09022015). Collection method: clinical testing. Allele origin: germline.
Comment: This sequence change replaces glutamic acid, which is acidic and polar, with aspartic acid, which is acidic and polar, at codon 4029 of the FAT4 protein (p.Glu4029Asp). This variant is not present in population databases (gnomAD no frequency). This variant has not been reported in the literature in individuals affected with FAT4-related conditions. ClinVar contains an entry for this variant (Variation ID: 1352337). An algorithm developed to predict the effect of missense changes on protein structure and function (PolyPhen-2) suggests that this variant is likely to be tolerated. In summary, the available evidence is currently insufficient to determine the role of this variant in disease. Therefore, it has been classified as a Variant of Uncertain Significance.